The following is an entry in ClinVar:

ClinVar aggregate classification (germline): Conflicting classifications of pathogenicity. Review status: criteria provided, conflicting classifications (1 of 4 stars). 5 submissions from 5 submitters: Uncertain significance (4); Likely benign (1). Last evaluated 2026-04-10.

Conditions:
NDP-related disorder. Also called: NDP-related condition.

Allele frequency attached by ClinVar (database versions not stated): ExAC below 0.00001; gnomAD exomes 0.00009; gnomAD 0.00014 and 0.00015; TOPMed 0.00020.

Submissions (5):

PreventionGenetics, part of Exact Sciences
Classification: Uncertain significance for NDP-related condition. Last evaluated: 2026-04-10. Review status: criteria provided, single submitter. Criteria: ACMG Guidelines, 2015. Collection method: clinical testing. Allele origin: germline.
Comment: The NDP c.385G>A variant is predicted to result in the amino acid substitution p.Glu129Lys. This variant is reported in 0.046% of alleles in individuals of Latino descent in gnomAD, which may be higher than expected for a disease causing variant. Although we suspect that this variant may be benign, at this time, the clinical significance of this variant is uncertain due to the absence of conclusive functional and genetic evidence.

Labcorp Genetics (formerly Invitae), Labcorp
Classification: Uncertain significance. Last evaluated: 2025-11-30. Review status: criteria provided, single submitter. Criteria: Invitae Variant Classification Sherloc (09022015). Collection method: clinical testing. Allele origin: germline.
Comment: This sequence change replaces glutamic acid, which is acidic and polar, with lysine, which is basic and polar, at codon 129 of the NDP protein (p.Glu129Lys). This variant is present in population databases (rs756474198, gnomAD 0.05%), and has an allele count higher than expected for a pathogenic variant. This missense change has been observed in individual(s) with Peters anomaly (PMID: 25182519). ClinVar contains an entry for this variant (Variation ID: 377374). Invitae Evidence Modeling of protein sequence and biophysical properties (such as structural, functional, and spatial information, amino acid conservation, physicochemical variation, residue mobility, and thermodynamic stability) has been performed for this missense variant. However, the output from this modeling did not meet the statistical confidence thresholds required to predict the impact of this variant on NDP protein function. In summary, the available evidence is currently insufficient to determine the role of this variant in disease. Therefore, it has been classified as a Variant of Uncertain Significance.

Blueprint Genetics
Classification: Uncertain significance. Last evaluated: 2022-09-21. Review status: criteria provided, single submitter. Criteria: ACMG Guidelines, 2015. Collection method: clinical testing. Allele origin: germline.

GeneDx
Classification: Likely benign. Last evaluated: 2020-07-21. Review status: criteria provided, single submitter. Criteria: GeneDx Variant Classification Process June 2021. Collection method: clinical testing. Allele origin: germline. Affected: yes.
Comment: In silico analysis supports that this missense variant does not alter protein structure/function; This variant is associated with the following publications: (PMID: 25182519)

Center for Pediatric Genomic Medicine, Children's Mercy Hospital and Clinics
Classification: Uncertain significance. Last evaluated: 2016-09-22. Review status: criteria provided, single submitter. Criteria: ACMG Guidelines, 2015. Collection method: clinical testing. Allele origin: germline.
ClinVar note: Converted during submission from Uncertain Significance to Uncertain significance.

Literature cited by the submitters: PubMed 25182519 (cited by Labcorp Genetics (formerly Invitae), Labcorp).

NM_000266.4(NDP):c.385G>A (p.Glu129Lys)

Genes: NDP (norrin cystine knot growth factor NDP; minus strand), NDP-AS1 (NDP antisense RNA 1; plus strand). Cytogenetic location: Xp11.3.
Variant type: single nucleotide variant.
Coding change: c.385G>A on transcript NM_000266.4 (MANE Select); coding-DNA position 385, G replaced by A.
Protein change: p.Glu129Lys; replaces glutamic acid 129 with lysine.
Molecular consequence: missense variant. On other transcripts: non-coding transcript variant (1).
Genome position (GRCh38, 1-based): chrX:43,949,816, C>T on the plus strand (G>A on the coding strand, the complement: NDP is on the minus strand). VCF-style: chrX-43949816-C-T. GRCh37 (hg19) VCF-style: chrX-43809062-C-T.
Other names: short protein forms E129K.
Identifiers: ClinVar variation 377374 (VCV000377374.19), dbSNP rs756474198, ClinGen allele CA10391402.
Genomic context (GRCh38, chrX:43,949,816, plus strand): 5'-CTCTACAGTTGTCCCATCCAGAAGCCACACACAGCAGCGGGCCTCAGGAATTGCATTCCT[C>T]GCAGTGACAGGAGAGGATGTACCGGTAGGTGGCAGTGAGTCGCATGCCCCCTGAGCATCG-3'
Protein context (NP_000257.1, residues 119-133): TYRYILSCHC[Glu129Lys]ECNS